The following is an entry in ClinVar:

ClinVar aggregate classification (germline): Uncertain significance (1 of 4 stars; one submission).

Conditions:
Disseminated atypical mycobacterial infection. Identifiers: MedGen C0694566.

Submission:

Labcorp Genetics (formerly Invitae), Labcorp
Classification: Uncertain significance for Disseminated atypical mycobacterial infection. Last evaluated: 2025-03-04. Review status: criteria provided, single submitter. Criteria: Invitae Variant Classification Sherloc (09022015). Collection method: clinical testing. Allele origin: germline.
Comment: This variant, c.1204_1230del, results in the deletion of 9 amino acid(s) of the IFNGR1 protein (p.Cys402_Asn410del), but otherwise preserves the integrity of the reading frame. The frequency data for this variant in the population databases is considered unreliable, as metrics indicate poor data quality at this position in the gnomAD database. This variant has not been reported in the literature in individuals affected with IFNGR1-related conditions. Experimental studies and prediction algorithms are not available or were not evaluated, and the functional significance of this variant is currently unknown. In summary, the available evidence is currently insufficient to determine the role of this variant in disease. Therefore, it has been classified as a Variant of Uncertain Significance.

NM_000416.3(IFNGR1):c.1204_1230del (p.Cys402_Asn410del)

Gene: IFNGR1 (interferon gamma receptor 1; minus strand). Cytogenetic location: 6q23.3.
Variant type: Deletion.
Coding change: c.1204_1230del on transcript NM_000416.3 (MANE Select); coding-DNA positions 1204 to 1230, 27 bases deleted (TGTTCTGAGAGTGATCACTCCAGAAAT).
Protein change: p.Cys402_Asn410del.
Genome position (GRCh38, 1-based): chr6:137,198,271-137,198,297, ATTTCTGGAGTGATCACTCTCAGAACA deleted on the plus strand (TGTTCTGAGAGTGATCACTCCAGAAAT on the coding strand, the reverse complement: IFNGR1 is on the minus strand); deleting any 27 consecutive bases within chr6:137,198,271-137,198,311 gives the same sequence; the c. name uses the placement nearest the transcript's 3' end. VCF-style (leftmost placement, unchanged base first): chr6-137198270-CATTTCTGGAGTGATCACTCTCAGAACA-C. GRCh37 (hg19) VCF-style: chr6-137519407-CATTTCTGGAGTGATCACTCTCAGAACA-C.
Other names: c.1174_1200del, p.Cys392_Asn400del (NM_001363526.1); c.1081_1107del, p.Cys361_Asn369del (NM_001363527.1).
Identifiers: ClinVar variation 4777621 (VCV004777621.1).